The following is an entry in ClinVar:

ClinVar aggregate classification (germline): Uncertain significance. Review status: criteria provided, multiple submitters, no conflicts (2 of 4 stars). 2 submissions from 2 submitters: Uncertain significance (2). Last evaluated 2025-04-22.

Conditions:
Charcot-Marie-Tooth disease type 2. Also called: Charcot-Marie-Tooth type 2. Identifiers: Orphanet 64746, MedGen C0270914, MONDO:0018993.

gnomAD v4.1: 2 of 1,614,180 alleles (0.00012%); highest among the groups gnomAD compares: Admixed American, 0.0017%; no homozygotes.

Submissions (2):

GeneDx
Classification: Uncertain significance. Last evaluated: 2025-04-22. Review status: criteria provided, single submitter. Criteria: GeneDx Variant Classification Process June 2021. Collection method: clinical testing. Allele origin: germline. Affected: yes.
Comment: Not observed at significant frequency in large population cohorts (gnomAD); In silico analysis supports that this missense variant has a deleterious effect on protein structure/function; Has not been previously published as pathogenic or benign to our knowledge; This variant is associated with the following publications: (PMID: 10939567)

Labcorp Genetics (formerly Invitae), Labcorp
Classification: Uncertain significance for Charcot-Marie-Tooth disease type 2. Last evaluated: 2024-11-04. Review status: criteria provided, single submitter. Criteria: Invitae Variant Classification Sherloc (09022015). Collection method: clinical testing. Allele origin: germline.
Comment: This sequence change replaces leucine, which is neutral and non-polar, with phenylalanine, which is neutral and non-polar, at codon 183 of the LMNA protein (p.Leu183Phe). This variant is present in population databases (rs574749413, gnomAD 0.003%). This missense change has been observed in individual(s) with dilated cardiomyopathy (PMID: 28790152). Invitae Evidence Modeling of protein sequence and biophysical properties (such as structural, functional, and spatial information, amino acid conservation, physicochemical variation, residue mobility, and thermodynamic stability) indicates that this missense variant is expected to disrupt LMNA protein function with a positive predictive value of 95%. In summary, the available evidence is currently insufficient to determine the role of this variant in disease. Therefore, it has been classified as a Variant of Uncertain Significance.

Literature cited by the submitters: PubMed 28790152 (cited by Labcorp Genetics (formerly Invitae), Labcorp).

NM_170707.4(LMNA):c.547C>T (p.Leu183Phe)

Gene: LMNA (lamin A/C; plus strand). Cytogenetic location: 1q22.
Variant type: single nucleotide variant.
Coding change: c.547C>T on transcript NM_170707.4 (MANE Select); coding-DNA position 547, C replaced by T.
Protein change: p.Leu183Phe; replaces leucine 183 with phenylalanine.
Molecular consequence: missense variant. On other transcripts: 5 prime UTR variant (11).
Genome position (GRCh38, 1-based): chr1:156,134,436, C>T. VCF-style: chr1-156134436-C-T. GRCh37 (hg19) VCF-style: chr1-156104227-C-T.
Other names: c.211C>T, p.Leu71Phe (NM_001257374.3, NM_001406989.1, NM_001406998.1); c.304C>T, p.Leu102Phe (NM_001282624.2, NM_001406986.1, NM_001406987.1); c.547C>T, p.Leu183Phe (NM_001282625.2, NM_001282626.2, NM_001406983.1 and 6 more transcripts); c.250C>T, p.Leu84Phe (NM_001406988.1); c.-12C>T (NM_001406990.1, NM_001406993.1, NM_001406995.1 and 4 more transcripts); c.-118C>T (NM_001406994.1, NM_001406999.1, NM_001407000.1 and 1 more transcripts); short protein forms L102F, L183F, L71F, L84F.
Identifiers: ClinVar variation 3613893 (VCV003613893.3).
Genomic context (GRCh38, chr1:156,134,436, plus strand): 5'-TCCTCATCTCTGCCTGCTTCCTCACAGCTTGAGGCAGCCCTAGGTGAGGCCAAGAAGCAA[C>T]TTCAGGATGAGATGCTGCGGCGGGTGGATGCTGAGAACAGGCTGCAGACCATGAAGGAGG-3'
Protein context (NP_733821.1, residues 173-193): EAALGEAKKQ[Leu183Phe]QDEMLRRVDA